The following is an entry in ClinVar:

NM_000070.3(CAPN3):c.96_97inv (p.Glu33Lys)

Gene: CAPN3 (calpain 3; plus strand). Cytogenetic location: 15q15.1.
Variant type: Inversion.
Coding change: c.96_97inv on transcript NM_000070.3 (MANE Select).
Protein change: p.Glu33Lys; replaces glutamic acid 33 with lysine.
Molecular consequence: missense variant.
Genome position: GRCh38 VCF-style: chr15-42359901-TG-CA. GRCh37 (hg19) VCF-style: chr15-42652099-TG-CA.
Other names: c.96_97inv, p.Glu33Lys (NM_024344.2, NM_173087.2); short protein forms E33K.
Identifiers: ClinVar variation 536518 (VCV000536518.4), ClinGen allele CA658798307.

ClinVar aggregate classification (germline): Uncertain significance (1 of 4 stars; one submission).

Conditions:
Autosomal recessive limb-girdle muscular dystrophy type 2A (LGMDR1). Also called: Limb-girdle muscular dystrophy, type 2A; Calpainopathy; Muscular dystrophy, limb-girdle, type 2A, Amish; LEYDEN-MOEBIUS MUSCULAR DYSTROPHY; MUSCULAR DYSTROPHY, PELVOFEMORAL. Identifiers: Orphanet 267, MedGen C1869123, MONDO:0009675, OMIM 253600. Disease mechanism: loss of function.

Submission:

Labcorp Genetics (formerly Invitae), Labcorp
Classification: Uncertain significance for Autosomal recessive limb-girdle muscular dystrophy type 2A. Last evaluated: 2025-07-13. Review status: criteria provided, single submitter. Criteria: Invitae Variant Classification Sherloc (09022015). Collection method: clinical testing. Allele origin: germline.
Comment: This sequence change replaces glutamic acid, which is acidic and polar, with lysine, which is basic and polar, at codon 33 of the CAPN3 protein (p.Glu33Lys). Information on the frequency of this variant in the gnomAD database is not available, as this variant may be reported differently in the database. This variant has not been reported in the literature in individuals affected with CAPN3-related conditions. ClinVar contains an entry for this variant (Variation ID: 536518). Experimental studies and prediction algorithms are not available or were not evaluated, and the functional significance of this variant is currently unknown. In summary, the available evidence is currently insufficient to determine the role of this variant in disease. Therefore, it has been classified as a Variant of Uncertain Significance.